The following is an entry in ClinVar:

NM_023110.3(FGFR1):c.821A>G (p.Glu274Gly)

Gene: FGFR1 (fibroblast growth factor receptor 1; minus strand). Cytogenetic location: 8p11.23.
Variant type: single nucleotide variant.
Coding change: c.821A>G on transcript NM_023110.3 (MANE Select); coding-DNA position 821, A replaced by G.
Protein change: p.Glu274Gly; replaces glutamic acid 274 with glycine.
Molecular consequence: missense variant.
Genome position (GRCh38, 1-based): chr8:38,424,624, T>C on the plus strand (A>G on the coding strand, the complement: FGFR1 is on the minus strand). VCF-style: chr8-38424624-T-C. GRCh37 (hg19) VCF-style: chr8-38282142-T-C.
Other names: c.821A>G, p.Glu274Gly (NM_001174063.2); c.797A>G, p.Glu266Gly (NM_001174064.2); c.815A>G, p.Glu272Gly (NM_001174065.2, NM_001354367.2, NM_001354369.2 and 1 more transcripts); c.554A>G, p.Glu185Gly (NM_001174066.2, NM_023105.3); c.914A>G, p.Glu305Gly (NM_001174067.2); c.548A>G, p.Glu183Gly (NM_001354368.2, NM_001354370.2, NM_023106.3); short protein forms E274G, E183G, E272G, E305G, E266G, E185G.
Identifiers: ClinVar variation 180152 (VCV000180152.3), dbSNP rs727505369, ClinGen allele CA185881.

ClinVar aggregate classification (germline): Conflicting classifications of pathogenicity. Review status: criteria provided, conflicting classifications (1 of 4 stars). 4 submissions from 3 submitters: Likely pathogenic (3); Uncertain significance (1). Last evaluated 2023-05-04.

Conditions:
Hypogonadotropic hypogonadism 2 with or without anosmia (HH2). Also called: HYPOGONADOTROPIC HYPOGONADISM 2 WITHOUT ANOSMIA; FGFR1-Related GnRH Deficiency (Kallmann Syndrome 2); HYPOGONADOTROPIC HYPOGONADISM 2 WITH OR WITHOUT ANOSMIA, SUSCEPTIBILITY TO; HYPOGONADOTROPIC HYPOGONADISM 2 WITHOUT ANOSMIA, SUSCEPTIBILITY TO. Identifiers: Orphanet 478, MedGen C1563720, MONDO:0007844, OMIM 147950. Disease mechanism: loss of function.
Jackson-Weiss syndrome (JWS). Also called: CRANIOSYNOSTOSIS, MIDFACIAL HYPOPLASIA, AND FOOT ABNORMALITIES. Identifiers: Orphanet 1540, MedGen C0795998, MONDO:0007400, OMIM 123150. Disease mechanism: loss of function.
Osteoglophonic dysplasia (OGD). Also called: Osteoglophonic dwarfism. Identifiers: Orphanet 2645, MedGen C0432283, MONDO:0008150, OMIM 166250.
Trigonocephaly 1 (TRIGNO1). Identifiers: Orphanet 3366, MedGen C0432122, MONDO:0008603, OMIM 190440.
Hartsfield-Bixler-Demyer syndrome (HRTFDS). Also called: Holoprosencephaly, ectrodactyly, and bilateral cleft lip/palate; FGFR1-Related Hartsfield Syndrome; Hartsfield syndrome. Identifiers: Orphanet 2117, MedGen C1845146, MONDO:0014196, OMIM 615465. Disease mechanism: loss of function.
Pfeiffer syndrome (ACS5). Also called: ACS V. Identifiers: Orphanet 710, MedGen C0220658, MONDO:0007043, OMIM 101600.
Encephalocraniocutaneous lipomatosis (ECCL). Identifiers: Orphanet 2396, MedGen C0406612, MONDO:0013074, OMIM 613001.
Hypogonadotropic hypogonadism 7 with or without anosmia (HH7). Also called: GNRHR-Related GnRH Deficiency; HYPOGONADOTROPIC HYPOGONADISM 7 WITHOUT ANOSMIA. Identifiers: Orphanet 432, MedGen C0342384, MONDO:0007794, OMIM 146110.
Delayed puberty. Identifiers: MedGen C0034012, HP:0000823.

Allele frequency attached by ClinVar (database versions not stated): gnomAD exomes below 0.00001.
gnomAD v4.1: 1 of 1,614,046 alleles (0.000062%); highest among the groups gnomAD compares: Non-Finnish European, 0.000085%; no homozygotes.

Submissions (4):

Reproductive Endocrine Unit, Massachusetts General Hospital
Classification: Uncertain significance for Hypogonadotropic hypogonadism 2 with or without anosmia. Last evaluated: 2023-05-04. Review status: criteria provided, single submitter. Criteria: ACMG Guidelines, 2015. Collection method: research. Allele origin: inherited. Affected: yes. Observed: 1 variant allele.
Comment: The variant has been classified as VUS based on the variant meeting the following ACMG Criteria: PM2,PP3.

Fulgent Genetics
Classification: Likely pathogenic for Pfeiffer syndrome; Jackson-Weiss syndrome; Hypogonadotropic hypogonadism 2 with or without anosmia; Osteoglophonic dysplasia; Trigonocephaly 1; Encephalocraniocutaneous lipomatosis; Hartsfield-Bixler-Demyer syndrome. Last evaluated: 2021-07-18. Review status: criteria provided, single submitter. Criteria: ACMG Guidelines, 2015. Collection method: clinical testing. Allele origin: unknown.

Chan Lab, Boston Children's Hospital
Classification: Likely pathogenic for Hypogonadotrophic hypogonadism. Last evaluated: 2014-11-01. Review status: criteria provided, single submitter. Criteria: Submitter's publication. Collection method: case-control. Allele origin: maternal. Affected: yes. Observed: 1 variant allele.

Chan Lab, Boston Children's Hospital
Classification: Likely pathogenic for Delayed puberty. Last evaluated: 2014-11-01. Review status: criteria provided, single submitter. Criteria: Submitter's publication. Collection method: case-control. Allele origin: unknown. Affected: yes. Observed: 1 variant allele.